The following is an entry in ClinVar:

NM_000352.6(ABCC8):c.1024_1040del (p.Gly342fs)

Gene: ABCC8 (ATP binding cassette subfamily C member 8; minus strand). Cytogenetic location: 11p15.1.
Variant type: Deletion.
Coding change: c.1024_1040del on transcript NM_000352.6 (MANE Select); coding-DNA positions 1024 to 1040, 17 bases deleted (GGGGTTTACTTTGTCTC).
Protein change: p.Gly342fs; shifts the reading frame from glycine 342.
Molecular consequence: frameshift variant. On other transcripts: non-coding transcript variant (1).
Genome position (GRCh38, 1-based): chr11:17,453,255-17,453,271, GAGACAAAGTAAACCCC deleted on the plus strand (GGGGTTTACTTTGTCTC on the coding strand, the reverse complement: ABCC8 is on the minus strand); deleting any 17 consecutive bases within chr11:17,453,255-17,453,275 gives the same sequence; the c. name uses the placement nearest the transcript's 3' end. VCF-style (leftmost placement, unchanged base first): chr11-17453254-TGAGACAAAGTAAACCCC-T. GRCh37 (hg19) VCF-style: chr11-17474801-TGAGACAAAGTAAACCCC-T.
Other names: c.1024_1040del, p.Gly342fs (NM_001287174.3, NM_001351295.2); c.1021_1037del, p.Gly341fs (NM_001351296.2, NM_001351297.2); short protein forms G341fs, G342fs.
Identifiers: ClinVar variation 5015460 (VCV005015460.1).

ClinVar aggregate classification (germline): Pathogenic (1 of 4 stars; one submission).

Conditions:
Hyperinsulinemic hypoglycemia, familial, 1 (HHF1). Also called: HYPERINSULINISM, FAMILIAL, WITH PANCREATIC NESIDIOBLASTOSIS; HYPOGLYCEMIA, HYPERINSULINEMIC, OF INFANCY; NESIDIOBLASTOSIS OF PANCREAS; Persistent Hyperinsulinemia Hypoglycemia of Infancy; Persistent hyperinsulinemic hypoglycemia of infancy. Identifiers: Orphanet 276575, Orphanet 276598, MedGen C2931832, MONDO:0009734, OMIM 256450.

Submission:

Myriad Genetics, Inc.
Classification: Pathogenic for Hyperinsulinemic hypoglycemia, familial, 1. Last evaluated: 2026-01-21. Review status: criteria provided, single submitter. Criteria: Myriad Autosomal Dominant, Autosomal Recessive and X-Linked Classification Criteria (2023). Collection method: clinical testing. Allele origin: unknown.
Comment: NM_000352.3(ABCC8):c.1024_1040del17(G342Ifs*35) is expected to be pathogenic in the context of familial hyperinsulinism, ABCC8-related. This variant is predicted to lead to an abnormal or absent protein product due to the creation of a premature termination codon in ABCC8, a gene where loss-of-function variants are known to be pathogenic. Please note: this variant was assessed in the context of healthy population screening.